The following is an entry in ClinVar:

NM_000257.4(MYH7):c.2785GAG[2] (p.Glu931del)

Gene: MYH7 (myosin heavy chain 7; minus strand). Cytogenetic location: 14q11.2.
Variant type: Microsatellite.
Coding change: c.2785GAG[2] on transcript NM_000257.4 (MANE Select); two copies in a row of the 3-base unit GAG starting at c.2785; the reference has three copies in a row; one copy, 3 bases deleted; also written c.2791_2793del.
Protein change: p.Glu931del; deletes glutamic acid 931.
Molecular consequence: inframe deletion.
Genome position (GRCh38, 1-based): chr14:23,424,036-23,424,038, CTC deleted on the plus strand (GAG on the coding strand, the reverse complement: MYH7 is on the minus strand); deleting any 3 consecutive bases within chr14:23,424,036-23,424,044 gives the same sequence; the position shown is the placement nearest the transcript's 3' end. VCF-style (leftmost placement, unchanged base first): chr14-23424035-TCTC-T. GRCh37 (hg19) VCF-style: chr14-23893244-TCTC-T.
Other names: NM_000257.3(MYH7):c.2791_2793delGAG; NM_000257.4(MYH7):c.2785_2787GAG[2]; c.2791_2793delGAG (NM_000257.2); c.2791_2793del (NM_000257.3); short protein forms E931del.
Identifiers: ClinVar variation 42934 (VCV000042934.17), dbSNP rs397516172, ClinGen allele CA013089.
Genomic context (GRCh38, chr14:23,424,035, plus strand): 5'-TTTTGAGCTCTGAGCACTCATCTTCCAGCTTGCGCTTCTTGGCAGTGAGCTCAGCATTCA[TCTC>T]CTCCTCATCCTCCAGCCTCTCGTTCATCTCCTTCACCTTGGCCTCCAGCTGAATCTTGTT-3'

ClinVar aggregate classification (germline): Likely pathogenic. Review status: reviewed by expert panel (3 of 4 stars). 6 submissions from 6 submitters: Likely pathogenic (1). 5 of the submissions do not count toward it. Last evaluated 2021-11-23.

Conditions:
MYH7-related disorder. Also called: MYH7-related condition; MYH7-related disease; MYH7-related disorders.
Hypertrophic cardiomyopathy 1 (CMH1). Also called: Familial hypertrophic cardiomyopathy 1; MYH7-Related Familial Hypertrophic Cardiomyopathy. Identifiers: MedGen C3495498, MONDO:0008647, OMIM 192600.
Hypertrophic cardiomyopathy. Also called: HYPERTROPHIC MYOCARDIOPATHY. Identifiers: Orphanet 217569, MedGen C0007194, MeSH D002312, MONDO:0005045, HP:0001639.

Submissions (6):

ClinGen Cardiomyopathy Variant Curation Expert Panel
Classification: Likely pathogenic for Hypertrophic cardiomyopathy. Last evaluated: 2021-11-23. Review status: reviewed by expert panel. Criteria: ClinGen CMP ACMG Specifications v1. Collection method: curation. Allele origin: germline. Inheritance: Autosomal dominant inheritance.
Comment: The NM_000257.3(MYH7):c.2791_2793delGAG (p.Glu931del) variant has been reported in at least 8 individuals with HCM (PS4_Moderate; Tesson 1998 PMID:9829907; Richard 2013 PMID:12707239; Walsh 2017 PMID:27532257; Norrish 2019 PMID:31006259; GeneDx pers. comm., Invitae pers. comm., LMM pers. comm., OMGL pers.comm.) and segregated with disease in 5 affected individuals with HCM in 1 family (PP1_Moderate; Tesson 1998 PMID:9829907). This variant was absent from large population studies (PM2; gnomAD v2.1.1). This variant is a deletion of 1 amino acid at position 931 and is not predicted to alter the protein reading-frame. Given that only 1 amino acid has been deleted, the expert panel felt that adjusting to supporting evidence would be more appropriate in this case (PM4_Supporting). In summary, this variant meets criteria to be classified as likely pathogenic for hypertrophic cardiomyopathy in an autosomal dominant manner. MYH7-specific ACMG/AMP criteria applied (Kelly 2018 PMID:29300372): PS4_ Moderate; PP1_Moderate; PM2; PM4_Supporting.

Labcorp Genetics (formerly Invitae), Labcorp
Classification: Pathogenic for Hypertrophic cardiomyopathy. Last evaluated: 2025-04-07. Review status: criteria provided, single submitter. Criteria: Invitae Variant Classification Sherloc (09022015). Collection method: clinical testing. Allele origin: germline. Not counted in ClinVar's aggregate classification.
Comment: This variant, c.2791_2793del, results in the deletion of 1 amino acid(s) of the MYH7 protein (p.Glu931del), but otherwise preserves the integrity of the reading frame. This variant is not present in population databases (gnomAD no frequency). This variant has been observed in individuals with hypertrophic cardiomyopathy (HCM) (PMID: 9829907, 27532257). It has also been observed to segregate with disease in related individuals. This variant is also known as Glu930 codon deletion. ClinVar contains an entry for this variant (Variation ID: 42934). This variant disrupts the p.Glu931 amino acid residue in MYH7. Other variant(s) that disrupt this residue have been determined to be pathogenic (PMID: 15358028, 24111713, 25351510). This suggests that this residue is clinically significant, and that variants that disrupt this residue are likely to be disease-causing. For these reasons, this variant has been classified as Pathogenic.

Blueprint Genetics
Classification: Pathogenic for MYH7-related disorders. Last evaluated: 2024-07-31. Review status: criteria provided, single submitter. Criteria: ACMG Guidelines, 2015. Collection method: clinical testing. Allele origin: germline. Affected: yes. Observed: 2 variant alleles. Not counted in ClinVar's aggregate classification.

Laboratory for Molecular Medicine, Mass General Brigham Personalized Medicine
Classification: Likely pathogenic for Hypertrophic cardiomyopathy. Last evaluated: 2023-06-05. Review status: criteria provided, single submitter. Criteria: ACMG Guidelines, 2015. Collection method: clinical testing. Allele origin: germline. Inheritance: Autosomal dominant inheritance. Not counted in ClinVar's aggregate classification.
Comment: The p.Glu931del variant has been reported in at least 8 individuals with hypertrophic cardiomyopathy (HCM; Tesson 1998 PMID:9829907; Richard 2013 PMID:12707239; Walsh 2017 PMID:27532257; Norrish 2019 PMID:31006259; GeneDx pers. comm., Invitae pers. comm., LMM pers. comm., OMGL pers.comm.) and segregated with disease in 5 affected individuals (Tesson 1998 PMID:9829907). This variant was absent from large population studies (gnomAD v3.2.1). In vitro functional studies provide some evidence that this variant impacts protein function (Singh 2021 PMID: 34051236). This variant is a deletion of 1 amino acid at position 931 and is not predicted to alter the protein reading-frame. In summary, this variant meets criteria to be classified as likely pathogenic for autosomal dominant HCM. ACMG/AMP criteria applied: PS4_ Moderate, PP1_Moderate, PM2_Supporting, PM4_Supporting, PS3_Supporting.

GeneDx
Classification: Likely pathogenic. Last evaluated: 2019-10-24. Review status: criteria provided, single submitter. Criteria: GeneDx Variant Classification Process June 2021. Collection method: clinical testing. Allele origin: germline. Affected: yes. Not counted in ClinVar's aggregate classification.
Comment: In-frame deletion of one amino acid, also referred to as E930del in the published literature due to alternate nomenclature; Not observed in large population cohorts (Lek et al., 2016); In silico analysis, which includes protein predictors and evolutionary conservation, supports a deleterious effect; Reported in ClinVar as likely pathogenic by the ClinGen Inherited Cardiomyopathy Variant Curation Expert Panel (ClinVar Variant ID 42934 ; Landrum et al., 2016); This variant is associated with the following publications: (PMID: 9829907, 31006259, 12707239, 29300372, 27532257)

Clinical Genetics Service, Universitary Hospital 12 de Octubre
Classification: Likely pathogenic for Hypertrophic cardiomyopathy 1. Review status: criteria provided, single submitter. Criteria: ACMG Guidelines, 2015. Collection method: clinical testing. Allele origin: germline. Affected: yes. Not counted in ClinVar's aggregate classification.

Literature cited by the submitters: PubMed 29300372 (cited by ClinGen Cardiomyopathy Variant Curation Expert Panel and Laboratory for Molecular Medicine, Mass General Brigham Personalized Medicine); PubMed 9829907 (cited by Labcorp Genetics (formerly Invitae), Labcorp and Laboratory for Molecular Medicine, Mass General Brigham Personalized Medicine); PubMed 27532257 (cited by Labcorp Genetics (formerly Invitae), Labcorp and Laboratory for Molecular Medicine, Mass General Brigham Personalized Medicine); PubMed 15358028 (cited by Labcorp Genetics (formerly Invitae), Labcorp); PubMed 24111713 (cited by Labcorp Genetics (formerly Invitae), Labcorp); PubMed 25351510 (cited by Labcorp Genetics (formerly Invitae), Labcorp); PubMed 12707239 (cited by Laboratory for Molecular Medicine, Mass General Brigham Personalized Medicine); PubMed 11968089 (cited by Laboratory for Molecular Medicine, Mass General Brigham Personalized Medicine); PubMed 34051236 (cited by Laboratory for Molecular Medicine, Mass General Brigham Personalized Medicine); PubMed 31006259 (cited by Laboratory for Molecular Medicine, Mass General Brigham Personalized Medicine).